The following is an entry in ClinVar:

ClinVar aggregate classification (germline): Uncertain significance. Review status: criteria provided, multiple submitters, no conflicts (2 of 4 stars). 3 submissions from 3 submitters: Uncertain significance (3). Last evaluated 2025-12-18.

Conditions:
CHEK2-related cancer predisposition (TPDS4). Also called: TUMOR PREDISPOSITION SYNDROME 4; CANCER PREDISPOSITION SYNDROME, CHEK2-RELATED; CHEK2-related cancer susceptibility. Identifiers: Orphanet 524, MedGen C5882668, MONDO:0700271, OMIM 609265.
Familial cancer of breast. Also called: Hereditary breast cancer; BREAST CANCER, FAMILIAL; hereditary breast carcinoma. Identifiers: Orphanet 227535, MedGen C0346153, MONDO:0016419, OMIM 114480. Disease mechanism: loss of function.
Hereditary cancer-predisposing syndrome. Also called: Neoplastic Syndromes, Hereditary; Hereditary neoplastic syndrome; Tumor predisposition; Hereditary Cancer Syndrome. Identifiers: Orphanet 140162, MedGen C0027672, MeSH D009386, MONDO:0015356.

gnomAD v4.1: 1 of 1,614,044 alleles (0.000062%); highest among the groups gnomAD compares: Non-Finnish European, 0.000085%; no homozygotes.

Submissions (3):

Ambry Genetics
Classification: Uncertain significance for Hereditary cancer-predisposing syndrome. Last evaluated: 2025-12-18. Review status: criteria provided, single submitter. Criteria: Ambry Variant Classification Scheme 2023. Collection method: clinical testing. Allele origin: germline.
Comment: The p.T168N variant (also known as c.503C>A), located in coding exon 3 of the CHEK2 gene, results from a C to A substitution at nucleotide position 503. The threonine at codon 168 is replaced by asparagine, an amino acid with similar properties. This amino acid position is highly conserved in available vertebrate species. In addition, this alteration is predicted to be deleterious by in silico analysis. Based on the available evidence, the clinical significance of this variant remains unclear.

Labcorp Genetics (formerly Invitae), Labcorp
Classification: Uncertain significance for Familial cancer of breast. Last evaluated: 2025-10-27. Review status: criteria provided, single submitter. Criteria: Invitae Variant Classification Sherloc (09022015). Collection method: clinical testing. Allele origin: germline.
Comment: This sequence change replaces threonine, which is neutral and polar, with asparagine, which is neutral and polar, at codon 168 of the CHEK2 protein (p.Thr168Asn). This variant is not present in population databases (gnomAD no frequency). This variant has not been reported in the literature in individuals affected with CHEK2-related conditions. ClinVar contains an entry for this variant (Variation ID: 653095). An algorithm developed to predict the effect of missense changes on protein structure and function (PolyPhen-2) suggests that this variant is likely to be disruptive. In summary, the available evidence is currently insufficient to determine the role of this variant in disease. Therefore, it has been classified as a Variant of Uncertain Significance.

Department of Pathology and Laboratory Medicine, Sinai Health System
Classification: Uncertain significance for CHEK2-related cancer predisposition. Last evaluated: 2023-01-27. Review status: criteria provided, single submitter. Criteria: ACMG Guidelines, 2015. Collection method: clinical testing. Allele origin: germline. Affected: yes.

NM_007194.4(CHEK2):c.503C>A (p.Thr168Asn)

Gene: CHEK2 (checkpoint kinase 2; minus strand). Cytogenetic location: 22q12.1.
Variant type: single nucleotide variant.
Coding change: c.503C>A on transcript NM_007194.4 (MANE Select); coding-DNA position 503, C replaced by A.
Protein change: p.Thr168Asn; replaces threonine 168 with asparagine.
Molecular consequence: missense variant. On other transcripts: 5 prime UTR variant (2), intron variant (1).
Genome position (GRCh38, 1-based): chr22:28,725,066, G>T on the plus strand (C>A on the coding strand, the complement: CHEK2 is on the minus strand). VCF-style: chr22-28725066-G-T. GRCh37 (hg19) VCF-style: chr22-29121054-G-T.
Other names: c.632C>A, p.Thr211Asn (NM_001005735.3, NM_001438294.1); c.-275C>A (NM_001257387.3); c.-161C>A (NM_001437942.1); c.596C>A, p.Thr199Asn (NM_001438293.1, NM_001438295.1); c.503C>A, p.Thr168Asn (NM_145862.3); c.445-143C>A (NM_001349956.3); short protein forms T168N, T211N, T199N.
Identifiers: ClinVar variation 653095 (VCV000653095.11), dbSNP rs730881684, ClinGen allele CA411107446.
Genomic context (GRCh38, chr22:28,725,066, plus strand): 5'-TCAGAATTGTTATTCAAAGGACGGCGTTTTCCTTTCCCTACAAGCTCTGTATTTACAAAG[G>T]TTCCATTGCCACTGTGATCTTCTATGTATGCAATGTAAGAGTTTTTAGGACCCACTTCCT-3'
Protein context (NP_009125.1, residues 158-178): AYIEDHSGNG[Thr168Asn]FVNTELVGKG